The following is an entry in ClinVar:

NM_175914.5(HNF4A):c.778G>T (p.Asp260Tyr)

Gene: HNF4A (hepatocyte nuclear factor 4 alpha; plus strand). Cytogenetic location: 20q13.12.
Variant type: single nucleotide variant.
Coding change: c.778G>T on transcript NM_175914.5 (MANE Select); coding-DNA position 778, G replaced by T.
Protein change: p.Asp260Tyr; replaces aspartic acid 260 with tyrosine.
Molecular consequence: missense variant.
Genome position (GRCh38, 1-based): chr20:44,419,828, G>T. VCF-style: chr20-44419828-G-T. GRCh37 (hg19) VCF-style: chr20-43048468-G-T.
Other names: NM_175914.5(HNF4A):c.778G>T; p.Asp260Tyr; c.844G>T, p.Asp282Tyr (NM_000457.6, NM_178849.3, NM_178850.3); c.778G>T, p.Asp260Tyr (NM_001030003.3, NM_001030004.3); c.823G>T, p.Asp275Tyr (NM_001258355.2); c.769G>T, p.Asp257Tyr (NM_001287182.2, NM_001287183.2, NM_001287184.2); short protein forms D257Y, D260Y, D282Y, D275Y.
Identifiers: ClinVar variation 549555 (VCV000549555.4), dbSNP rs1236613475, ClinGen allele CA409107542.

ClinVar aggregate classification (germline): Likely pathogenic. Review status: reviewed by expert panel (3 of 4 stars). 3 submissions from 3 submitters: Likely pathogenic (1). 2 of the submissions do not count toward it. Last evaluated 2024-09-26.

Conditions:
Monogenic diabetes. Identifiers: Orphanet 183625, MedGen C3888631, MONDO:0015967.
Maturity-onset diabetes of the young (MODY). Also called: Maturity onset diabetes mellitus in young. Identifiers: Orphanet 552, MedGen C0342276, MONDO:0018911, HP:0004904.

Submissions (3):

ClinGen Monogenic Diabetes Variant Curation Expert Panel
Classification: Likely pathogenic for Monogenic diabetes. Last evaluated: 2024-09-26. Review status: reviewed by expert panel. Criteria: ClinGen Diabetes ACMG Specifications HNF4A V2.0.0. Collection method: curation. Allele origin: germline. Inheritance: Autosomal dominant inheritance.
Comment: The c.778G>T variant in the hepatocyte nuclear factor 4 alpha gene, HNF4A, causes an amino acid change of aspartate to tyrosine at codon 260 (p.(Asp260Tyr)) of NM_175914.5. This variant is absent from gnomAD v2.1.1 (PM2_Supporting). This variant is predicted to be deleterious by computational evidence, with a REVEL score of 0.912, which is greater than the MDEP VCEP threshold of 0.70 (PP3). This variant was identified in 5 unrelated individuals with non-autoimmune and non-absolute/near-absolute insulin-deficient diabetes (PS4_Moderate; internal lab contributors). This variant was identified in an individual with a clinical history highly specific for HNF4A-monogenic diabetes (MODY probability calculator result >50%, negative genetic testing for HNF1A, and antibody negative) (PP4_Moderate; internal lab contributors). This variant was segregated with diabetes, with three informative meioses in two families (PP1_Moderate; internal lab contributors). In summary, c.778G>T meets the criteria to be classified as likely pathogenic for monogenic diabetes. ACMG/AMP criteria applied, as specified by the ClinGen MDEP (specification version 2.0.0, approved 10/11/2023): PS4_moderate, PP1_moderate, PP4_moderate, PM2_supporting, PP3.

Personalized Diabetes Medicine Program, University of Maryland School of Medicine
Classification: Uncertain significance for Monogenic diabetes. Last evaluated: 2017-05-19. Review status: criteria provided, single submitter. Criteria: ACMG Guidelines, 2015. Collection method: research. Allele origin: unknown. Observed: 1 variant allele, 1 heterozygote. Study: Personalized Diabetes Medicine Program. Not counted in ClinVar's aggregate classification.
Comment: ACMG Criteria:PP3 (11 predictors), PM2

Clinical Genomics, Uppaluri K&H Personalized Medicine Clinic
Classification: Likely risk allele for Maturity-onset diabetes of the young. Review status: criteria provided, single submitter. Criteria: K & H Uppaluri Personalized Medicine Clinic Variant Classification & Assertion Criteria_Updated V.1. Collection method: research. Allele origin: unknown. Inheritance: Autosomal dominant inheritance. Not counted in ClinVar's aggregate classification.
Comment: Potent mutations in HNF4A are associated with poor insulin secretion in response to hyperglycemia. Associated with MODY1. Patients initially respond well to sulfonylureas but eventually become insulin dependent. However, more evidence is required to ascertain the role of this particular variant rs1236613475 in MODY, yet.

Literature cited by the submitters: PubMed 18268044 (cited by Clinical Genomics, Uppaluri K&H Personalized Medicine Clinic); PubMed 17563455 (cited by Clinical Genomics, Uppaluri K&H Personalized Medicine Clinic); PubMed 32583173 (cited by Clinical Genomics, Uppaluri K&H Personalized Medicine Clinic); PubMed 35052457 (cited by Clinical Genomics, Uppaluri K&H Personalized Medicine Clinic); PubMed 35118593 (cited by Clinical Genomics, Uppaluri K&H Personalized Medicine Clinic); DOI 10.1159/000334532 (cited by Clinical Genomics, Uppaluri K&H Personalized Medicine Clinic).